The following is an entry in ClinVar:

ClinVar aggregate classification (germline): Likely benign (1 of 4 stars; one submission).

Conditions:
LEPR-related disorder. Also called: LEPR-related disorders; LEPR-related condition.

gnomAD v4.1: 2 of 1,613,392 alleles (0.00012%); highest among the groups gnomAD compares: Middle Eastern, 0.017%; no homozygotes.

Submission:

PreventionGenetics, part of Exact Sciences
Classification: Likely benign for LEPR-related condition. Last evaluated: 2026-07-28. Review status: criteria provided, single submitter. Criteria: ACMG Guidelines, 2015. Collection method: clinical testing. Allele origin: germline.
Comment: This variant is classified as likely benign based on ACMG/AMP sequence variant interpretation guidelines (Richards et al. 2015 PMID: 25741868, with internal and published modifications).

NM_002303.6(LEPR):c.915G>A (p.Glu305=)

Gene: LEPR (leptin receptor; plus strand). Cytogenetic location: 1p31.3.
Variant type: single nucleotide variant.
Coding change: c.915G>A on transcript NM_002303.6 (MANE Select); coding-DNA position 915, G replaced by A.
Protein change: p.Glu305=; no amino-acid change (glutamic acid 305 retained).
Molecular consequence: synonymous variant.
Genome position (GRCh38, 1-based): chr1:65,598,725, G>A. VCF-style: chr1-65598725-G-A. GRCh37 (hg19) VCF-style: chr1-66064408-G-A.
Other names: c.915G>A, p.Glu305= (NM_001003679.3, NM_001003680.3, NM_001198687.2 and 2 more transcripts).
Identifiers: ClinVar variation 4984856 (VCV004984856.1).
Genomic context (GRCh38, chr1:65,598,725, plus strand): 5'-CAAGATTGTCTCAGCTACATCCCTGCTAGTAGACAGTATACTTCCTGGGTCTTCGTATGA[G>A]GTTCAGGTGAGGGGCAAGAGACTGGATGGCCCAGGAATCTGGAGTGACTGGAGTACTCCT-3'
Protein context (NP_002294.2, residues 295-315): VDSILPGSSY[Glu305=]VQVRGKRLDG